The following is an entry in ClinVar:

NM_015466.4(PTPN23):c.3744C>T (p.Cys1248=)

Gene: PTPN23 (protein tyrosine phosphatase non-receptor type 23; plus strand). Cytogenetic location: 3p21.31.
Variant type: single nucleotide variant.
Coding change: c.3744C>T on transcript NM_015466.4 (MANE Select); coding-DNA position 3744, C replaced by T.
Protein change: p.Cys1248=; no amino-acid change (cysteine 1248 retained).
Molecular consequence: synonymous variant.
Genome position (GRCh38, 1-based): chr3:47,411,542, C>T. VCF-style: chr3-47411542-C-T. GRCh37 (hg19) VCF-style: chr3-47453032-C-T.
Other names: c.3366C>T, p.Cys1122= (NM_001304482.2).
Identifiers: ClinVar variation 1920755 (VCV001920755.11), dbSNP rs969377050, ClinGen allele CA73882585.

ClinVar aggregate classification (germline): Likely benign. Review status: criteria provided, multiple submitters, no conflicts (2 of 4 stars). 3 submissions from 3 submitters: Likely benign (3). Last evaluated 2025-12-01.

Allele frequency attached by ClinVar (database versions not stated): gnomAD 0.00001; TOPMed 0.00001.
gnomAD v4.1: 94 of 1,612,728 alleles (0.0058%); highest among the groups gnomAD compares: Non-Finnish European, 0.0073%; no homozygotes.

Submissions (3):

CeGaT Center for Human Genetics Tuebingen
Classification: Likely benign. Last evaluated: 2025-12-01. Review status: criteria provided, single submitter. Criteria: CeGaT Center For Human Genetics Tuebingen Variant Classification Criteria Version 2. Collection method: clinical testing. Allele origin: germline. Affected: yes. Observed: 1 variant allele.
Comment: PTPN23: BP4, BP7

Blueprint Genetics
Classification: Likely benign. Last evaluated: 2023-09-18. Review status: criteria provided, single submitter. Criteria: ACMG Guidelines, 2015. Collection method: clinical testing. Allele origin: germline.

Labcorp Genetics (formerly Invitae), Labcorp
Classification: Likely benign. Last evaluated: 2022-03-19. Review status: criteria provided, single submitter. Criteria: Invitae Variant Classification Sherloc (09022015). Collection method: clinical testing. Allele origin: germline.